The following is an entry in ClinVar:

NM_003470.3(USP7):c.202G>A (p.Glu68Lys)

Gene: USP7 (ubiquitin specific peptidase 7; minus strand). Cytogenetic location: 16p13.2.
Variant type: single nucleotide variant.
Coding change: c.202G>A on transcript NM_003470.3 (MANE Select); coding-DNA position 202, G replaced by A.
Protein change: p.Glu68Lys; replaces glutamic acid 68 with lysine.
Molecular consequence: missense variant. On other transcripts: 5 prime UTR variant (1), non-coding transcript variant (1).
Genome position (GRCh38, 1-based): chr16:8,923,396, C>T on the plus strand (G>A on the coding strand, the complement: USP7 is on the minus strand). VCF-style: chr16-8923396-C-T. GRCh37 (hg19) VCF-style: chr16-9017253-C-T.
Other names: c.154G>A, p.Glu52Lys (NM_001286457.2); c.-96G>A (NM_001286458.2); c.28G>A, p.Glu10Lys (NM_001321858.2); short protein forms E10K, E52K, E68K.
Identifiers: ClinVar variation 4086674 (VCV004086674.1).

ClinVar aggregate classification (germline): Uncertain significance (1 of 4 stars; one submission).

gnomAD v4.1: 1 of 1,614,150 alleles (0.000062%); highest among the groups gnomAD compares: Non-Finnish European, 0.000085%; no homozygotes.

Submission:

GeneDx
Classification: Uncertain significance. Last evaluated: 2025-03-18. Review status: criteria provided, single submitter. Criteria: GeneDx Variant Classification Process June 2021. Collection method: clinical testing. Allele origin: germline. Affected: yes.
Comment: Not observed at significant frequency in large population cohorts (gnomAD); In silico analysis supports that this missense variant has a deleterious effect on protein structure/function; Has not been previously published as pathogenic or benign to our knowledge